The following is an entry in ClinVar:

ClinVar aggregate classification (germline): Uncertain significance (1 of 4 stars; one submission).

Submission:

Labcorp Genetics (formerly Invitae), Labcorp
Classification: Uncertain significance. Last evaluated: 2022-09-06. Review status: criteria provided, single submitter. Criteria: Invitae Variant Classification Sherloc (09022015). Collection method: clinical testing. Allele origin: germline.
Comment: In summary, the available evidence is currently insufficient to determine the role of this variant in disease. Therefore, it has been classified as a Variant of Uncertain Significance. Algorithms developed to predict the effect of missense changes on protein structure and function are either unavailable or do not agree on the potential impact of this missense change (SIFT: "Tolerated"; PolyPhen-2: "Probably Damaging"; Align-GVGD: "Class C0"). This variant is not present in population databases (gnomAD no frequency). This sequence change replaces leucine, which is neutral and non-polar, with valine, which is neutral and non-polar, at codon 196 of the WHRN protein (p.Leu196Val). This variant has not been reported in the literature in individuals affected with WHRN-related conditions.

NM_015404.4(WHRN):c.586C>G (p.Leu196Val)

Gene: WHRN (whirlin; minus strand). Cytogenetic location: 9q32.
Variant type: single nucleotide variant.
Coding change: c.586C>G on transcript NM_015404.4 (MANE Select); coding-DNA position 586, C replaced by G.
Protein change: p.Leu196Val; replaces leucine 196 with valine.
Molecular consequence: missense variant.
Genome position (GRCh38, 1-based): chr9:114,504,216, G>C on the plus strand (C>G on the coding strand, the complement: WHRN is on the minus strand). VCF-style: chr9-114504216-G-C. GRCh37 (hg19) VCF-style: chr9-117266496-G-C.
Other names: c.586C>G, p.Leu196Val (NM_001173425.2); short protein forms L196V.
Identifiers: ClinVar variation 2068496 (VCV002068496.4), dbSNP rs2493902380, ClinGen allele CA374611725.
Genomic context (GRCh38, chr9:114,504,216, plus strand): 5'-CCAGACTCTCTCCAAACCACAGCCTTACCTTGACGGCCTCCGCGTGGGTCACCCGGGCCA[G>C]GGATTTGTCGTTGACGCGCAGAATCTGGTCCCCGACCCGCAGTCCTTCCTTCTCAGCTAG-3'
Protein context (NP_056219.3, residues 186-206): DQILRVNDKS[Leu196Val]ARVTHAEAVK